The following is an entry in ClinVar:

ClinVar aggregate classification (germline): Benign/Likely benign. Review status: criteria provided, multiple submitters, no conflicts (2 of 4 stars). 3 submissions from 3 submitters: Benign (1); Likely benign (1). 1 of the submissions does not count toward it. Last evaluated 2026-01-27.

Conditions:
ALG1-congenital disorder of glycosylation. Also called: CONGENITAL DISORDER OF GLYCOSYLATION, TYPE Ik; CDG Ik; ALG1-CDG. Identifiers: Orphanet 79327, MedGen C2931005, MONDO:0012052, OMIM 608540.

Allele frequency attached by ClinVar (database versions not stated): gnomAD 0.00003 and 0.00019; TOPMed 0.00005; 1000 Genomes Project 30x 0.00062; gnomAD exomes 0.00066; ExAC 0.00067; 1000 Genomes Project 0.00080.
gnomAD v4.1: 558 of 1,612,058 alleles (0.035%); highest among the groups gnomAD compares: South Asian, 0.54%; 9 homozygotes.

Submissions (3):

Labcorp Genetics (formerly Invitae), Labcorp
Classification: Benign for ALG1-congenital disorder of glycosylation. Last evaluated: 2026-01-27. Review status: criteria provided, single submitter. Criteria: Invitae Variant Classification Sherloc (09022015). Collection method: clinical testing. Allele origin: germline.

ARUP Laboratories, Molecular Genetics and Genomics, ARUP Laboratories
Classification: Likely benign for ALG1-congenital disorder of glycosylation. Last evaluated: 2024-02-15. Review status: criteria provided, single submitter. Criteria: ARUP Molecular Germline Variant Investigation Process 2024. Collection method: clinical testing. Allele origin: germline.

Department of Pathology and Laboratory Medicine, Sinai Health System
Classification: Likely benign. Review status: no assertion criteria provided. Collection method: clinical testing. Allele origin: unknown. Affected: yes. Study: The Canadian Open Genetics Repository (COGR). Not counted in ClinVar's aggregate classification.
Comment: The ALG1 p.Arg274His variant was not identified in the literature nor was it identified in ClinVar. The variant was identified in dbSNP (ID: rs529013891) and in control databases in 166 of 280372 chromosomes (1 homozygous) at a frequency of 0.0005921 increasing the likelihood this could be a low frequency benign variant (Genome Aggregation Database March 6, 2019, v2.1.1). The variant was observed in the following populations: South Asian in 159 of 30600 chromosomes (freq: 0.005196), Other in 2 of 7170 chromosomes (freq: 0.000279), East Asian in 1 of 19932 chromosomes (freq: 0.00005) and European (non-Finnish) in 4 of 127584 chromosomes (freq: 0.000031), but was not observed in the African, Latino, Ashkenazi Jewish, or European (Finnish) populations. The p.Arg274 residue is not conserved in mammals and computational analyses (PolyPhen-2, SIFT, AlignGVGD, BLOSUM, MutationTaster) do not suggest a high likelihood of impact to the protein; however, this information is not predictive enough to rule out pathogenicity. The variant occurs outside of the splicing consensus sequence and three of four in silico or computational prediction software programs (SpliceSiteFinder, MaxEntScan, NNSPLICE, GeneSplicer) predict a greater than 10% difference in splicing. However, this information is not predictive enough to assume pathogenicity. In summary, based on the above information the clinical significance of this variant cannot be determined with certainty at this time although we would lean towards a more benign role for this variant. This variant is classified as likely benign.

NM_019109.5(ALG1):c.821G>A (p.Arg274His)

Gene: ALG1 (ALG1 chitobiosyldiphosphodolichol beta-mannosyltransferase; plus strand). Cytogenetic location: 16p13.3.
Variant type: single nucleotide variant.
Coding change: c.821G>A on transcript NM_019109.5 (MANE Select); coding-DNA position 821, G replaced by A.
Protein change: p.Arg274His; replaces arginine 274 with histidine.
Molecular consequence: missense variant.
Genome position (GRCh38, 1-based): chr16:5,078,837, G>A. VCF-style: chr16-5078837-G-A. GRCh37 (hg19) VCF-style: chr16-5128838-G-A.
Other names: c.488G>A, p.Arg163His (NM_001330504.2); short protein forms R163H, R274H.
Identifiers: ClinVar variation 1049114 (VCV001049114.10), dbSNP rs529013891, ClinGen allele CA7890035.
Genomic context (GRCh38, chr16:5,078,837, plus strand): 5'-TCACGGAGCGGTCGGCCTTCACGGAGCGGGATGCTGGGAGCGGGCTGGTGACGCGTCTCC[G>A]TGAGCGGCCAGCCCTGCTGGTCAGCAGCACGAGCTGGACAGGTCTGCAGGACCCCTGGGG-3'
Protein context (NP_061982.3, residues 264-284): DAGSGLVTRL[Arg274His]ERPALLVSST